The following is an entry in ClinVar:

ClinVar aggregate classification (germline): Pathogenic/Likely pathogenic. Review status: criteria provided, multiple submitters, no conflicts (2 of 4 stars). 5 submissions from 5 submitters: Pathogenic (1); Likely pathogenic (4). Last evaluated 2025-12-19.

Conditions:
FLG-related disorder. Also called: FLG-related disorders; FLG-related condition.
Dermatitis, atopic, 2. Identifiers: MedGen C1853965, MONDO:0011596, OMIM 605803.
Ichthyosis vulgaris. Also called: ICHTHYOSIS SIMPLEX; Dominant ichthyosis vulgaris. Identifiers: MedGen C0079584, MONDO:0024304, OMIM 146700.

Allele frequency attached by ClinVar (database versions not stated): ESP Exome Variant Server 0.00008; 1000 Genomes Project 30x 0.00016; 1000 Genomes Project 0.00020.

Submissions (5):

Variantyx, Inc.
Classification: Likely pathogenic for Ichthyosis vulgaris. Last evaluated: 2025-12-19. Review status: criteria provided, single submitter. Criteria: Variantyx Assertion Criteria 2022. Collection method: clinical testing. Allele origin: germline. Inheritance: Semidominant inheritance.
Comment: This is a nonsense variant in the FLG gene (OMIM: 135940). Pathogenic variants in this gene have been associated with saemidominant ichthyosis vulgaris. This variant introduces a premature termination codon in exon 3 out of 3 and it is expected to result in loss of function, which is a known disease mechanism for FLG in this disorder (PMID: 16444271, 27793761, 27667308, 32018027) (PVS1). This variant has a 0.0245% maximum allele frequency in non-founder control populations (PM2). Based on the current evidence, this variant is classified as likely pathogenic for semidominant ichthyosis vulgaris.

CeGaT Center for Human Genetics Tuebingen
Classification: Likely pathogenic. Last evaluated: 2025-11-01. Review status: criteria provided, single submitter. Criteria: CeGaT Center For Human Genetics Tuebingen Variant Classification Criteria Version 2. Collection method: clinical testing. Allele origin: germline. Affected: yes. Observed: 1 variant allele.
Comment: FLG: PVS1:Strong, PM2, PM3:Supporting

GeneDx
Classification: Pathogenic. Last evaluated: 2025-06-23. Review status: criteria provided, single submitter. Criteria: GeneDx Variant Classification Process June 2021. Collection method: clinical testing. Allele origin: germline. Affected: yes.
Comment: Identified in an individual with a FLG-related disorder in published literature (PMID: 32018027); Nonsense variant predicted to result in protein truncation, as the last 319 amino acids are lost, and other loss-of-function variants have been reported downstream in HGMD; This variant is associated with the following publications: (PMID: 32018027)

Blueprint Genetics
Classification: Likely pathogenic for FLG-related disorders. Last evaluated: 2024-05-30. Review status: criteria provided, single submitter. Criteria: ACMG Guidelines, 2015. Collection method: clinical testing. Allele origin: germline. Affected: yes. Observed: 5 variant alleles.

Juno Genomics, Hangzhou Juno Genomics, Inc
Classification: Likely pathogenic for Dermatitis, atopic, 2; Ichthyosis vulgaris. Review status: criteria provided, single submitter. Criteria: ACMG Guidelines, 2015. Collection method: clinical testing. Allele origin: germline.
Comment: Absent from controls (or at extremely low frequency if recessive) in Genome Aggregation Database.;Null variant in a gene where loss of function (LOF) is a known mechanism of disease.;The prevalence of the variant in affected individuals is significantly increased compared to the prevalence in controls.;Patient's phenotype or family history is highly specific for a disease with a single genetic etiology.

Literature cited by the submitters: PubMed 16444271 (cited by Variantyx, Inc.); PubMed 27793761 (cited by Variantyx, Inc.); PubMed 27667308 (cited by Variantyx, Inc.); PubMed 32018027 (cited by Variantyx, Inc.).

NM_002016.2(FLG):c.11227C>T (p.Arg3743Ter)

Genes: CCDST (cervical cancer associated DHX9 suppressive transcript; plus strand), FLG (filaggrin; minus strand). Cytogenetic location: 1q21.3.
Variant type: single nucleotide variant.
Coding change: c.11227C>T on transcript NM_002016.2 (MANE Select); coding-DNA position 11227, C replaced by T.
Protein change: p.Arg3743Ter; replaces arginine 3743 with a stop codon.
Molecular consequence: nonsense.
Genome position (GRCh38, 1-based): chr1:152,303,659, G>A on the plus strand (C>T on the coding strand, the complement: FLG is on the minus strand). VCF-style: chr1-152303659-G-A. GRCh37 (hg19) VCF-style: chr1-152276135-G-A.
Other names: short protein forms R3743*.
Identifiers: ClinVar variation 1320913 (VCV001320913.13), dbSNP rs142421644, ClinGen allele CA1102991.
Genomic context (GRCh38, chr1:152,303,659, plus strand): 5'-CCGGGTGTCCACGAATGGTGTCCTGACCCTCTTGGGACGCTGAGTGCCTGGAGCTGTCTC[G>A]TGCCTGCTCGTGGCGGGATCCTTGTCTTCCTCCAGTACTGGGCCCAGCCCGTCCATGGGC-3'